The following is an entry in ClinVar:

NM_206933.4(USH2A):c.3375T>G (p.Ile1125Met)

Genes: USH2A (usherin; minus strand), USH2A-AS1 (USH2A antisense RNA 1; plus strand). Cytogenetic location: 1q41.
Variant type: single nucleotide variant.
Coding change: c.3375T>G on transcript NM_206933.4 (MANE Select); coding-DNA position 3375, T replaced by G.
Protein change: p.Ile1125Met; replaces isoleucine 1125 with methionine.
Molecular consequence: missense variant.
Genome position (GRCh38, 1-based): chr1:216,200,063, A>C on the plus strand (T>G on the coding strand, the complement: USH2A is on the minus strand). VCF-style: chr1-216200063-A-C. GRCh37 (hg19) VCF-style: chr1-216373405-A-C.
Other names: p.Ile1125Met; c.3375T>G, p.Ile1125Met (NM_007123.6); short protein forms I1125M.
Identifiers: ClinVar variation 840677 (VCV000840677.13), dbSNP rs143319658, ClinGen allele CA1395999.
Genomic context (GRCh38, chr1:216,200,063, plus strand): 5'-TGGTTTTGTCTTGTAAGTGACAGCTACACTCCTTGTTGAACCATGCACATTGGTGGTCTC[A>C]ATGTAATAGGAATATTTGGTATATGGTAACAGGTCTGTGTCTAAGAAGTATTGAATACCT-3'
Protein context (NP_996816.3, residues 1115-1135): LLPYTKYSYY[Ile1125Met]ETTNVHGSTR

ClinVar aggregate classification (germline): Uncertain significance. Review status: criteria provided, multiple submitters, no conflicts (2 of 4 stars). 9 submissions from 8 submitters: Uncertain significance (8). 1 of the submissions does not count toward it. Last evaluated 2026-09-01.

Conditions:
Retinitis pigmentosa 39 (RP39). Identifiers: Orphanet 791, MedGen C3151138, MONDO:0013436, OMIM 613809.
Usher syndrome type 2A. Also called: USHER SYNDROME, TYPE IIA; RETINAL DISEASE IN USHER SYNDROME TYPE IIA, MODIFIER OF. Identifiers: Orphanet 231178, Orphanet 886, MedGen C1848634, MONDO:0010169, OMIM 276901.
USH2A-related disorder. Also called: USH2A-related condition; USH2A-related disorders. Identifiers: MedGen CN239332.

Allele frequency attached by ClinVar (database versions not stated): gnomAD exomes 0.00003 and 0.00006; ExAC 0.00005; ESP Exome Variant Server 0.00008; gnomAD 0.00014; 1000 Genomes Project 30x 0.00016; 1000 Genomes Project 0.00020; TOPMed 0.00023.
gnomAD v4.1: 65 of 1,613,210 alleles (0.004%); highest among the groups gnomAD compares: Middle Eastern, 0.15%; no homozygotes.

Submissions (9):

PreventionGenetics, part of Exact Sciences
Classification: Uncertain significance for USH2A-related condition. Last evaluated: 2026-09-01. Review status: criteria provided, single submitter. Criteria: ACMG Guidelines, 2015. Collection method: clinical testing. Allele origin: germline.
Comment: The USH2A c.3375T>G variant is predicted to result in the amino acid substitution p.Ile1125Met. To our knowledge, this variant has not been reported in the literature. This variant is reported in 0.026% of alleles in individuals of Latino descent in gnomAD. At this time, the clinical significance of this variant is uncertain due to the absence of conclusive functional and genetic evidence.

GeneDx
Classification: Uncertain significance. Last evaluated: 2026-05-05. Review status: criteria provided, single submitter. Criteria: GeneDx Variant Classification Process June 2021. Collection method: clinical testing. Allele origin: germline.
Comment: In silico analysis suggests that this missense variant does not alter protein structure/function; Has not been previously published as pathogenic or benign to our knowledge

Blueprint Genetics
Classification: Uncertain significance. Last evaluated: 2024-10-15. Review status: criteria provided, single submitter. Criteria: ACMG Guidelines, 2015. Collection method: clinical testing. Allele origin: germline.

Genome-Nilou Lab
Classification: Uncertain significance for Retinitis pigmentosa 39. Last evaluated: 2023-11-04. Review status: criteria provided, single submitter. Criteria: ACMG Guidelines, 2015. Collection method: clinical testing. Allele origin: germline. Affected: no.

Genome-Nilou Lab
Classification: Uncertain significance for Usher syndrome type 2A. Last evaluated: 2023-11-04. Review status: criteria provided, single submitter. Criteria: ACMG Guidelines, 2015. Collection method: clinical testing. Allele origin: germline. Affected: no.

ARUP Laboratories, Molecular Genetics and Genomics, ARUP Laboratories
Classification: Uncertain significance. Last evaluated: 2023-09-11. Review status: criteria provided, single submitter. Criteria: ARUP Molecular Germline Variant Investigation Process 2024. Collection method: clinical testing. Allele origin: germline.

Labcorp Genetics (formerly Invitae), Labcorp
Classification: Uncertain significance. Last evaluated: 2022-10-25. Review status: criteria provided, single submitter. Criteria: Invitae Variant Classification Sherloc (09022015). Collection method: clinical testing. Allele origin: germline.
Comment: This sequence change replaces isoleucine, which is neutral and non-polar, with methionine, which is neutral and non-polar, at codon 1125 of the USH2A protein (p.Ile1125Met). This variant is present in population databases (rs143319658, gnomAD 0.03%). This variant has not been reported in the literature in individuals affected with USH2A-related conditions. ClinVar contains an entry for this variant (Variation ID: 840677). Advanced modeling of protein sequence and biophysical properties (such as structural, functional, and spatial information, amino acid conservation, physicochemical variation, residue mobility, and thermodynamic stability) performed at Invitae indicates that this missense variant is not expected to disrupt USH2A protein function. In summary, the available evidence is currently insufficient to determine the role of this variant in disease. Therefore, it has been classified as a Variant of Uncertain Significance.

Mayo Clinic Laboratories, Mayo Clinic
Classification: Uncertain significance. Last evaluated: 2021-11-22. Review status: criteria provided, single submitter. Criteria: ACMG Guidelines, 2015. Collection method: clinical testing. Allele origin: germline. Observed: 1 variant allele.
Comment: PM2_supporting

Natera, Inc.
Classification: Uncertain significance for Usher syndrome type 2A. Last evaluated: 2020-09-16. Review status: no assertion criteria provided. Collection method: clinical testing. Allele origin: germline. Not counted in ClinVar's aggregate classification.